The following is an entry in ClinVar:

NM_000271.5(NPC1):c.1937G>A (p.Arg646His)

Gene: NPC1 (NPC intracellular cholesterol transporter 1; minus strand). Cytogenetic location: 18q11.2.
Variant type: single nucleotide variant.
Coding change: c.1937G>A on transcript NM_000271.5 (MANE Select); coding-DNA position 1937, G replaced by A.
Protein change: p.Arg646His; replaces arginine 646 with histidine.
Molecular consequence: missense variant.
Genome position (GRCh38, 1-based): chr18:23,544,970, C>T on the plus strand (G>A on the coding strand, the complement: NPC1 is on the minus strand). VCF-style: chr18-23544970-C-T. GRCh37 (hg19) VCF-style: chr18-21124934-C-T.
Other names: short protein forms R646H.
Identifiers: ClinVar variation 181451 (VCV000181451.22), dbSNP rs112387560, ClinGen allele CA297003.

ClinVar aggregate classification (germline): Conflicting classifications of pathogenicity. Review status: criteria provided, conflicting classifications (1 of 4 stars). 7 submissions from 7 submitters: Uncertain significance (3); Likely benign (3). 1 of the submissions does not count toward it. Last evaluated 2026-01-21.

Conditions:
Inborn genetic diseases. Identifiers: MedGen C0950123, MeSH D030342.
NPC1-related disorder. Also called: NPC1-related condition.
Niemann-Pick disease, type C1. Also called: NEUROVISCERAL STORAGE DISEASE WITH VERTICAL SUPRANUCLEAR OPHTHALMOPLEGIA; NIEMANN-PICK DISEASE WITH CHOLESTEROL ESTERIFICATION BLOCK; NIEMANN-PICK DISEASE WITHOUT SPHINGOMYELINASE DEFICIENCY; NIEMANN-PICK DISEASE, CHRONIC NEURONOPATHIC FORM; NIEMANN-PICK DISEASE, VARIANT TYPE C1. Identifiers: Orphanet 646, MedGen C3179455, MONDO:0009757, OMIM 257220.

Allele frequency attached by ClinVar (database versions not stated): ESP Exome Variant Server 0.00031; gnomAD 0.00033 and 0.00034; gnomAD exomes 0.00005 and 0.00006; ExAC 0.00011; 1000 Genomes Project 30x 0.00016; 1000 Genomes Project 0.00020; TOPMed 0.00036.
gnomAD v4.1: 139 of 1,549,734 alleles (0.009%); highest among the groups gnomAD compares: African/African-American, 0.14%; no homozygotes.

Submissions (7):

Labcorp Genetics (formerly Invitae), Labcorp
Classification: Likely benign for Niemann-Pick disease, type C1. Last evaluated: 2026-01-21. Review status: criteria provided, single submitter. Criteria: Invitae Variant Classification Sherloc (09022015). Collection method: clinical testing. Allele origin: germline.

Ambry Genetics
Classification: Likely benign for Inborn genetic diseases. Last evaluated: 2025-02-24. Review status: criteria provided, single submitter. Criteria: Ambry Variant Classification Scheme 2023. Collection method: clinical testing. Allele origin: germline.

Blueprint Genetics
Classification: Likely benign. Last evaluated: 2024-06-24. Review status: criteria provided, single submitter. Criteria: ACMG Guidelines, 2015. Collection method: clinical testing. Allele origin: germline.

Women's Health and Genetics/Laboratory Corporation of America, LabCorp
Classification: Uncertain significance. Last evaluated: 2024-04-29. Review status: criteria provided, single submitter. Criteria: LabCorp Variant Classification Summary - May 2015. Collection method: clinical testing. Allele origin: germline.
Comment: Variant summary: NPC1 c.1937G>A (p.Arg646His) results in a non-conservative amino acid change located in the Sterol-sensing domain (IPR000731) of the encoded protein sequence. Three of five in-silico tools predict a benign effect of the variant on protein function. The variant allele was found at a frequency of 6.4e-05 in 250692 control chromosomes (gnomAD). This frequency is not significantly higher than estimated for a pathogenic variant in NPC1 causing Niemann-Pick Disease Type C (6.4e-05 vs 0.0027), allowing no conclusion about variant significance. c.1937G>A has been reported in the literature in a study including patients with lysosomal storage disorders (Malaga_2019), however it was found in cis with two other missense variants and patient information was not provided. This report does not provide unequivocal conclusions about association of the variant with Niemann-Pick Disease Type C. To our knowledge, no experimental evidence demonstrating an impact on protein function has been reported. The following publication has been ascertained in the context of this evaluation (PMID: 30985853). ClinVar contains an entry for this variant (Variation ID: 181451). Based on the evidence outlined above, the variant was classified as uncertain significance.

Revvity Omics, Revvity
Classification: Uncertain significance for Niemann-Pick disease, type C1. Last evaluated: 2022-03-08. Review status: criteria provided, single submitter. Criteria: ACMG Guidelines, 2015. Collection method: clinical testing. Allele origin: germline.

Eurofins Ntd Llc (ga)
Classification: Uncertain significance. Last evaluated: 2018-03-23. Review status: criteria provided, single submitter. Criteria: EGL ClinVar v180209 classification definitions. Collection method: clinical testing. Allele origin: germline. Observed: 3 variant alleles, 3 heterozygotes.

PreventionGenetics, part of Exact Sciences
Classification: Uncertain significance for NPC1-related condition. Last evaluated: 2024-08-14. Review status: no assertion criteria provided. Collection method: clinical testing. Allele origin: germline. Not counted in ClinVar's aggregate classification.
Comment: The NPC1 c.1937G>A variant is predicted to result in the amino acid substitution p.Arg646His. To our knowledge, this variant has not been reported in the literature. This variant is reported in 0.081% of alleles in individuals of African descent in gnomAD, which is likely too frequent to be a primary cause of disease. Although we suspect this variant may be benign, its clinical significance is currently classified as uncertain due to the absence of conclusive functional and genetic evidence.

Literature cited by the submitters: PubMed 30985853 (cited by Women's Health and Genetics/Laboratory Corporation of America, LabCorp).